The following is an entry in ClinVar:

NM_000426.4(LAMA2):c.8761G>A (p.Asp2921Asn)

Gene: LAMA2 (laminin subunit alpha 2; plus strand). Cytogenetic location: 6q22.33.
Variant type: single nucleotide variant.
Coding change: c.8761G>A on transcript NM_000426.4 (MANE Select); coding-DNA position 8761, G replaced by A.
Protein change: p.Asp2921Asn; replaces aspartic acid 2921 with asparagine.
Molecular consequence: missense variant.
Genome position (GRCh38, 1-based): chr6:129,507,546, G>A. VCF-style: chr6-129507546-G-A. GRCh37 (hg19) VCF-style: chr6-129828691-G-A.
Other names: c.8749G>A, p.Asp2917Asn (NM_001079823.2); short protein forms D2921N, D2917N.
Identifiers: ClinVar variation 477521 (VCV000477521.15), dbSNP rs139159258, ClinGen allele CA3994916.

ClinVar aggregate classification (germline): Conflicting classifications of pathogenicity. Review status: criteria provided, conflicting classifications (1 of 4 stars). 5 submissions from 5 submitters: Uncertain significance (3); Likely benign (1). 1 of the submissions does not count toward it. Last evaluated 2026-01-26.

Conditions:
LAMA2-related disorder. Also called: LAMA2-related condition; LAMA2-related disorders.
LAMA2-related muscular dystrophy (LAMA2-RD). Also called: Laminin alpha 2-related dystrophy. Identifiers: MedGen C5679788, MONDO:0100228.

Allele frequency attached by ClinVar (database versions not stated): gnomAD exomes 0.00006 and 0.00010; ExAC 0.00016; gnomAD 0.00048 and 0.00050; TOPMed 0.00050; ESP Exome Variant Server 0.00054; 1000 Genomes Project 0.00100; 1000 Genomes Project 30x 0.00125.
gnomAD v4.1: 160 of 1,614,104 alleles (0.0099%); highest among the groups gnomAD compares: African/African-American, 0.18%; no homozygotes.

Submissions (5):

Labcorp Genetics (formerly Invitae), Labcorp
Classification: Likely benign for LAMA2-related muscular dystrophy. Last evaluated: 2026-01-26. Review status: criteria provided, single submitter. Criteria: Invitae Variant Classification Sherloc (09022015). Collection method: clinical testing. Allele origin: germline.

Women's Health and Genetics/Laboratory Corporation of America, LabCorp
Classification: Uncertain significance. Last evaluated: 2025-04-04. Review status: criteria provided, single submitter. Criteria: LabCorp Variant Classification Summary - May 2015. Collection method: clinical testing. Allele origin: germline.
Comment: Variant summary: LAMA2 c.8761G>A (p.Asp2921Asn) results in a conservative amino acid change in the encoded protein sequence. Three of four in-silico tools predict a benign effect of the variant on protein function. The variant allele was found at a frequency of 0.0001 in 251280 control chromosomes. This frequency is not significantly higher than estimated for a pathogenic variant in LAMA2 causing Merosin deficient congenital muscular dystrophy (0.0001 vs 0.0035), allowing no conclusion about variant significance. To our knowledge, no occurrence of c.8761G>A in individuals affected with Merosin deficient congenital muscular dystrophy and no experimental evidence demonstrating its impact on protein function have been reported. ClinVar contains an entry for this variant (Variation ID: 477521). Based on the evidence outlined above, the variant was classified as uncertain significance.

Blueprint Genetics
Classification: Uncertain significance. Last evaluated: 2024-08-30. Review status: criteria provided, single submitter. Criteria: ACMG Guidelines, 2015. Collection method: clinical testing. Allele origin: germline.

Revvity Omics, Revvity
Classification: Uncertain significance. Last evaluated: 2020-12-02. Review status: criteria provided, single submitter. Criteria: ACMG Guidelines, 2015. Collection method: clinical testing. Allele origin: germline.

PreventionGenetics, part of Exact Sciences
Classification: Likely benign for LAMA2-related condition. Last evaluated: 2022-05-17. Review status: no assertion criteria provided. Collection method: clinical testing. Allele origin: germline. Not counted in ClinVar's aggregate classification.
Comment: This variant is classified as likely benign based on ACMG/AMP sequence variant interpretation guidelines (Richards et al. 2015 PMID: 25741868, with internal and published modifications).